The following is an entry in ClinVar:

ClinVar aggregate classification (germline): Uncertain significance (1 of 4 stars; one submission).

Submission:

Labcorp Genetics (formerly Invitae), Labcorp
Classification: Uncertain significance. Last evaluated: 2023-09-10. Review status: criteria provided, single submitter. Criteria: Invitae Variant Classification Sherloc (09022015). Collection method: clinical testing. Allele origin: germline.
Comment: This sequence change replaces lysine, which is basic and polar, with glutamic acid, which is acidic and polar, at codon 187 of the UNC119 protein (p.Lys187Glu). This variant is not present in population databases (gnomAD no frequency). This missense change has been observed in individual(s) with Leber congenital amaurosis (PMID: 33090715). An algorithm developed to predict the effect of missense changes on protein structure and function (PolyPhen-2) suggests that this variant is likely to be disruptive. In summary, the available evidence is currently insufficient to determine the role of this variant in disease. Therefore, it has been classified as a Variant of Uncertain Significance.

Literature cited by the submitters: PubMed 33090715.

NM_005148.4(UNC119):c.559A>G (p.Lys187Glu)

Gene: UNC119 (unc-119 lipid binding chaperone; minus strand). Cytogenetic location: 17q11.2.
Variant type: single nucleotide variant.
Coding change: c.559A>G on transcript NM_005148.4 (MANE Select); coding-DNA position 559, A replaced by G.
Protein change: p.Lys187Glu; replaces lysine 187 with glutamic acid.
Molecular consequence: missense variant.
Genome position (GRCh38, 1-based): chr17:28,547,728, T>C on the plus strand (A>G on the coding strand, the complement: UNC119 is on the minus strand). VCF-style: chr17-28547728-T-C. GRCh37 (hg19) VCF-style: chr17-26874746-T-C.
Other names: c.274A>G, p.Lys92Glu (NM_001330166.2); c.559A>G, p.Lys187Glu (NM_054035.2); short protein forms K92E, K187E.
Identifiers: ClinVar variation 2780382 (VCV002780382.3), dbSNP rs2508463475, ClinGen allele CA398330650.
Genomic context (GRCh38, chr17:28,547,728, plus strand): 5'-CCCGCGCACTCAGCTCCTCGGAGAGAGGGGGGAAGTCGTAAATGTGCTCGCAGGTGTTCT[T>C]GCTGCTGGGGATGCAGAAGCCAAAGTGGAAGTCGAAGCTTTTGAGTAGCTGGTTGCGGAA-3'
Protein context (NP_005139.1, residues 177-197): FHFGFCIPSS[Lys187Glu]NTCEHIYDFP